The following is an entry in ClinVar:

NM_000186.4(CFH):c.3493+6T>A

Gene: CFH (complement factor H; plus strand). Cytogenetic location: 1q31.3.
Variant type: single nucleotide variant.
Coding change: c.3493+6T>A on transcript NM_000186.4 (MANE Select); 6 bases into the intron after coding-DNA position 3493, T replaced by A.
Molecular consequence: intron variant.
Genome position (GRCh38, 1-based): chr1:196,746,005, T>A. VCF-style: chr1-196746005-T-A. GRCh37 (hg19) VCF-style: chr1-196715135-T-A.
Identifiers: ClinVar variation 1481627 (VCV001481627.6), dbSNP rs1300818488, ClinGen allele CA528534110.

ClinVar aggregate classification (germline): Uncertain significance (1 of 4 stars; one submission).

Allele frequency attached by ClinVar (database versions not stated): gnomAD exomes below 0.00001 and 0.00001; TOPMed below 0.00001; gnomAD 0.00001.
gnomAD v4.1: 12 of 1,613,946 alleles (0.00074%); highest among the groups gnomAD compares: African/African-American, 0.0013%; no homozygotes.

Submission:

Labcorp Genetics (formerly Invitae), Labcorp
Classification: Uncertain significance. Last evaluated: 2022-06-20. Review status: criteria provided, single submitter. Criteria: Invitae Variant Classification Sherloc (09022015). Collection method: clinical testing. Allele origin: germline.
Comment: This variant has not been reported in the literature in individuals affected with CFH-related conditions. Variants that disrupt the consensus splice site are a relatively common cause of aberrant splicing (PMID: 17576681, 9536098). Algorithms developed to predict the effect of sequence changes on RNA splicing suggest that this variant may disrupt the consensus splice site. In summary, the available evidence is currently insufficient to determine the role of this variant in disease. Therefore, it has been classified as a Variant of Uncertain Significance. This sequence change falls in intron 21 of the CFH gene. It does not directly change the encoded amino acid sequence of the CFH protein. It affects a nucleotide within the consensus splice site. This variant is present in population databases (no rsID available, gnomAD 0.0009%).

Literature cited by the submitters: PubMed 17576681; PubMed 9536098.